The following is an entry in ClinVar:

ClinVar aggregate classification (germline): Uncertain significance (1 of 4 stars; one submission).

Conditions:
Neurodevelopmental disorder. Identifiers: MedGen C1535926, MeSH D065886, MONDO:0700092.

Submission:

Victorian Clinical Genetics Services, Murdoch Childrens Research Institute
Classification: Uncertain significance for Neurodevelopmental disorder. Last evaluated: 2026-06-08. Review status: criteria provided, single submitter. Criteria: ACMG Guidelines, 2015. Collection method: clinical testing. Allele origin: germline. Affected: yes.
Comment: This variant is classified as VUS-3B. Evidence in support of pathogenic classification: Variant is present in gnomAD <0.01 (v4: 60 heterozygote(s), 0 homozygote(s)). Additional information: Variant is predicted to result in a missense amino acid change from Ala to Ser; This variant is heterozygous; This gene is associated with both recessive and dominant disease (PMID: 39502664); Alternative amino acid change(s) at the same position are present in gnomAD (highest allele count: v4: 5 heterozygote(s), 0 homozygote(s)); This variant has no previous evidence of pathogenicity; No published evidence of segregation with disease has been identified for this variant; No published functional evidence has been identified for this variant; No comparable missense variants have previous evidence for pathogenicity; Variant is not located in an established domain, motif, hotspot or informative constraint region; Missense variant with inconclusive in silico prediction and/or uninformative conservation; Loss of function is a known mechanism of disease in this gene and is associated with recessive neurodevelopmental disorder (MONDO:0700092), BHLHE22-related. The mechanism for dominant disease caused by missense variants is not clearly established.

Literature cited by the submitters: PubMed 39502664.

NM_152414.5(BHLHE22):c.1090G>T (p.Ala364Ser)

Genes: BHLHE22 (basic helix-loop-helix family member e22; plus strand), BHLHE22-AS1 (BHLHE22 antisense RNA 1; minus strand). Cytogenetic location: 8q12.3.
Variant type: single nucleotide variant.
Coding change: c.1090G>T on transcript NM_152414.5 (MANE Select); coding-DNA position 1090, G replaced by T.
Protein change: p.Ala364Ser; replaces alanine 364 with serine.
Molecular consequence: missense variant. On other transcripts: non-coding transcript variant (1).
Genome position (GRCh38, 1-based): chr8:64,581,880, G>T. VCF-style: chr8-64581880-G-T. GRCh37 (hg19) VCF-style: chr8-65494437-G-T.
Other names: short protein forms A364S.
Identifiers: ClinVar variation 4879824 (VCV004879824.1).